The following is an entry in ClinVar:

NM_003151.4(STAT4):c.125A>G (p.Asp42Gly)

Gene: STAT4 (signal transducer and activator of transcription 4; minus strand). Cytogenetic location: 2q32.3.
Variant type: single nucleotide variant.
Coding change: c.125A>G on transcript NM_003151.4 (MANE Select); coding-DNA position 125, A replaced by G.
Protein change: p.Asp42Gly; replaces aspartic acid 42 with glycine.
Molecular consequence: missense variant.
Genome position (GRCh38, 1-based): chr2:191,148,079, T>C on the plus strand (A>G on the coding strand, the complement: STAT4 is on the minus strand). VCF-style: chr2-191148079-T-C. GRCh37 (hg19) VCF-style: chr2-192012805-T-C.
Other names: c.125A>G, p.Asp42Gly (NM_001243835.2); short protein forms D42G.
Identifiers: ClinVar variation 3661861 (VCV003661861.2).

ClinVar aggregate classification (germline): Uncertain significance (1 of 4 stars; one submission).

gnomAD v4.1: 48 of 1,613,648 alleles (0.003%); highest among the groups gnomAD compares: Non-Finnish European, 0.0038%; no homozygotes.

Submission:

Labcorp Genetics (formerly Invitae), Labcorp
Classification: Uncertain significance. Last evaluated: 2024-07-22. Review status: criteria provided, single submitter. Criteria: Invitae Variant Classification Sherloc (09022015). Collection method: clinical testing. Allele origin: germline.
Comment: This sequence change replaces aspartic acid, which is acidic and polar, with glycine, which is neutral and non-polar, at codon 42 of the STAT4 protein (p.Asp42Gly). This variant is present in population databases (rs761161672, gnomAD 0.006%). This variant has not been reported in the literature in individuals affected with STAT4-related conditions. Advanced modeling of protein sequence and biophysical properties (such as structural, functional, and spatial information, amino acid conservation, physicochemical variation, residue mobility, and thermodynamic stability) performed at Invitae indicates that this missense variant is expected to disrupt STAT4 protein function with a positive predictive value of 80%. In summary, the available evidence is currently insufficient to determine the role of this variant in disease. Therefore, it has been classified as a Variant of Uncertain Significance.